The following is an entry in ClinVar:

NM_000069.3(CACNA1S):c.3697G>A (p.Ala1233Thr)

Gene: CACNA1S (calcium voltage-gated channel subunit alpha1 S; minus strand). Cytogenetic location: 1q32.1.
Variant type: single nucleotide variant.
Coding change: c.3697G>A on transcript NM_000069.3 (MANE Select); coding-DNA position 3697, G replaced by A.
Protein change: p.Ala1233Thr; replaces alanine 1233 with threonine.
Molecular consequence: missense variant.
Genome position (GRCh38, 1-based): chr1:201,053,557, C>T on the plus strand (G>A on the coding strand, the complement: CACNA1S is on the minus strand). VCF-style: chr1-201053557-C-T. GRCh37 (hg19) VCF-style: chr1-201022685-C-T.
Other names: short protein forms A1233T.
Identifiers: ClinVar variation 3074357 (VCV003074357.4), dbSNP rs755044361, ClinGen allele CA082761.

ClinVar aggregate classification (germline): Uncertain significance. Review status: criteria provided, multiple submitters, no conflicts (2 of 4 stars). 3 submissions from 3 submitters: Uncertain significance (3). Last evaluated 2024-06-22.

Conditions:
Malignant hyperthermia, susceptibility to, 5 (MHS5). Also called: CACNA1S-Related Malignant Hyperthermia Susceptibility. Identifiers: Orphanet 423, MedGen C1866077, MONDO:0011163, OMIM 601887.
Hypokalemic periodic paralysis, type 1. Also called: HypoPP; Hypokalemic Periodic Paralysis Type 1 (AD). Identifiers: Orphanet 681, MedGen C3714580, MONDO:0042979, OMIM 170400.

Allele frequency attached by ClinVar (database versions not stated): gnomAD 0.00001; TOPMed 0.00001; ExAC 0.00001.
gnomAD v4.1: 7 of 1,613,732 alleles (0.00043%); highest among the groups gnomAD compares: African/African-American, 0.0013%; no homozygotes.

Submissions (3):

Labcorp Genetics (formerly Invitae), Labcorp
Classification: Uncertain significance for Hypokalemic periodic paralysis, type 1; Malignant hyperthermia, susceptibility to, 5. Last evaluated: 2024-06-22. Review status: criteria provided, single submitter. Criteria: Invitae Variant Classification Sherloc (09022015). Collection method: clinical testing. Allele origin: germline.
Comment: This sequence change replaces alanine, which is neutral and non-polar, with threonine, which is neutral and polar, at codon 1233 of the CACNA1S protein (p.Ala1233Thr). This variant is present in population databases (rs755044361, gnomAD 0.007%). This variant has not been reported in the literature in individuals affected with CACNA1S-related conditions. Advanced modeling of protein sequence and biophysical properties (such as structural, functional, and spatial information, amino acid conservation, physicochemical variation, residue mobility, and thermodynamic stability) performed at Invitae indicates that this missense variant is not expected to disrupt CACNA1S protein function with a negative predictive value of 80%. In summary, the available evidence is currently insufficient to determine the role of this variant in disease. Therefore, it has been classified as a Variant of Uncertain Significance.

All of Us Research Program, National Institutes of Health
Classification: Uncertain significance for Malignant hyperthermia, susceptibility to, 5. Last evaluated: 2023-12-13. Review status: criteria provided, single submitter. Criteria: ACMG Guidelines, 2015. Collection method: clinical testing. Allele origin: germline. Inheritance: Autosomal dominant inheritance. Observed: 2 variant alleles, 2 heterozygotes.
Comment: This missense variant replaces alanine with threonine at codon 1233 of the CACNA1S protein. Computational prediction suggests that this variant may not impact protein structure and function (internally defined REVEL score threshold <= 0.5, PMID: 27666373). To our knowledge, functional studies have not been reported for this variant. This variant has not been reported in individuals affected with CACNA1S-related disorders in the literature. This variant has been identified in 2/250904 chromosomes in the general population by the Genome Aggregation Database (gnomAD). The available evidence is insufficient to determine the role of this variant in disease conclusively. Therefore, this variant is classified as a Variant of Uncertain Significance.

This study involves interpretation of variants in research participants for the purpose of population health screening. Participant phenotype was not available at the time of variant classification. Additional details can be found in publication PMID: 35346344, PMCID: PMC8962531

Color Diagnostics, LLC DBA Color Health
Classification: Uncertain significance for Malignant hyperthermia, susceptibility to, 5. Last evaluated: 2023-10-18. Review status: criteria provided, single submitter. Criteria: ACMG Guidelines, 2015. Collection method: clinical testing. Allele origin: germline.
Comment: This missense variant replaces alanine with threonine at codon 1233 of the CACNA1S protein. Computational prediction suggests that this variant may not impact protein structure and function. To our knowledge, functional studies have not been reported for this variant. This variant has not been reported in individuals affected with CACNA1S-related disorders in the literature. This variant has been identified in 2/250904 chromosomes in the general population by the Genome Aggregation Database (gnomAD). The available evidence is insufficient to determine the role of this variant in disease conclusively. Therefore, this variant is classified as a Variant of Uncertain Significance.